The following is an entry in ClinVar:

ClinVar aggregate classification (germline): Benign/Likely benign. Review status: criteria provided, multiple submitters, no conflicts (2 of 4 stars). 11 submissions from 9 submitters: Benign (1); Likely benign (9). 1 of the submissions does not count toward it. Last evaluated 2026-08-01.

Conditions:
NLRP3-related disorder. Also called: NLRP3-related condition; NLRP3-Related Disorders.
Autoinflammatory syndrome. Identifiers: Orphanet 93665, MedGen C3890737, MONDO:0019751.
Cryopyrin associated periodic syndrome (CAPS). Identifiers: Orphanet 208650, MedGen C2316212, MONDO:0016168.
Familial cold autoinflammatory syndrome 1 (FCAS1). Also called: Familial cold inflammatory syndrome 1; CRYOPYRIN-ASSOCIATED PERIODIC SYNDROME 1. Identifiers: Orphanet 47045, MedGen C4551895, MONDO:0007349, OMIM 120100.
Familial amyloid nephropathy with urticaria AND deafness (MWS). Also called: UDA SYNDROME; URTICARIA-DEAFNESS-AMYLOIDOSIS SYNDROME; MUCKLE-WELLS SYNDROME; Urticaria, deafness and amyloidosis; CRYOPYRIN-ASSOCIATED PERIODIC SYNDROME 2. Identifiers: Orphanet 575, MedGen C0268390, MONDO:0008633, OMIM 191900.
Chronic infantile neurological, cutaneous and articular syndrome (CINCA). Also called: CHRONIC NEUROLOGIC CUTANEOUS AND ARTICULAR SYNDROME; Prieur Griscelli syndrome; CRYOPYRIN-ASSOCIATED PERIODIC SYNDROME 3; CINCA syndrome. Identifiers: Orphanet 1451, MedGen C0409818, MONDO:0011776, OMIM 607115.

Allele frequency attached by ClinVar (database versions not stated): gnomAD 0.00070 and 0.00051; 1000 Genomes Project 30x 0.00141; 1000 Genomes Project 0.00180; TOPMed 0.00065; ESP Exome Variant Server 0.00069.
gnomAD v4.1: 1,461 of 1,614,078 alleles (0.091%); highest among the groups gnomAD compares: South Asian, 0.4%; 3 homozygotes.

Submissions (11):

CeGaT Center for Human Genetics Tuebingen
Classification: Likely benign. Last evaluated: 2026-08-01. Review status: criteria provided, single submitter. Criteria: CeGaT Center For Human Genetics Tuebingen Variant Classification Criteria Version 2. Collection method: clinical testing. Allele origin: germline. Affected: yes. Observed: 3 variant alleles.
Comment: NLRP3: BP4, BS1

Labcorp Genetics (formerly Invitae), Labcorp
Classification: Likely benign for Cryopyrin associated periodic syndrome. Last evaluated: 2026-02-02. Review status: criteria provided, single submitter. Criteria: Invitae Variant Classification Sherloc (09022015). Collection method: clinical testing. Allele origin: germline.

ARUP Laboratories, Molecular Genetics and Genomics, ARUP Laboratories
Classification: Likely benign. Last evaluated: 2025-03-20. Review status: criteria provided, single submitter. Criteria: ARUP Molecular Germline Variant Investigation Process 2024. Collection method: clinical testing. Allele origin: germline.

Blueprint Genetics
Classification: Likely benign. Last evaluated: 2024-10-28. Review status: criteria provided, single submitter. Criteria: ACMG Guidelines, 2015. Collection method: clinical testing. Allele origin: germline.

Genome Diagnostics Laboratory, The Hospital for Sick Children
Classification: Likely benign for Autoinflammatory syndrome. Last evaluated: 2021-01-11. Review status: criteria provided, single submitter. Criteria: ACMG Guidelines, 2015. Collection method: clinical testing. Allele origin: germline. Affected: yes.

Laboratory for Molecular Medicine, Mass General Brigham Personalized Medicine
Classification: Likely benign. Last evaluated: 2020-08-14. Review status: criteria provided, single submitter. Criteria: LMM Criteria. Collection method: clinical testing. Allele origin: germline. Observed: 1 variant allele.
Comment: The p.Thr954Met variant in NLRP3 is classified as likely benign because although it has been reported in several individuals with cryopyrin-associated period syndromes and one individual with syndromic pyoderma gangrenosum (Gonzalez-Roca 2013, Arts 2015 PMID 25639832 , Marzano 2017 PMID 27943240, Martorana 2017 PMID 28421071 , Gaggiano 2019 PMID 32082075, Bozgeyik 2020 PMID 32199921), it has been identified in 0.39% (120/30616) of South Asian chromosomes by gnomAD, which is a frequency that is too high to be consistent with being causative for the disorder. ACMG/AMP Criteria applied: BS1, BP4.

GeneDx
Classification: Benign. Last evaluated: 2019-11-05. Review status: criteria provided, single submitter. Criteria: GeneDx Variant Classification Process June 2021. Collection method: clinical testing. Allele origin: germline. Affected: yes.
Comment: Reported previously in patients with autoimmune disorder with limited evidence for pathogenicity (Arts et al., 2015; Mian et al., 2015); In silico analysis, which includes protein predictors and evolutionary conservation, supports a deleterious effect; This variant is associated with the following publications: (PMID: 25639832, 27943240, 25979514)

Illumina Laboratory Services, Illumina
Classification: Likely benign for Chronic infantile neurological, cutaneous and articular syndrome. Last evaluated: 2017-04-27. Review status: criteria provided, single submitter. Criteria: ICSL Variant Classification Criteria 13 December 2019. Collection method: clinical testing. Allele origin: germline.
Comment: This variant was observed as part of a predisposition screen in an ostensibly healthy population. A literature search was performed for the gene, cDNA change, and amino acid change (where applicable). No publications were found based on this search. Allele frequency data from public databases allowed determination this variant is unlikely to cause disease. Therefore, this variant is classified as likely benign.

Illumina Laboratory Services, Illumina
Classification: Likely benign for Familial cold autoinflammatory syndrome 1. Last evaluated: 2017-04-27. Review status: criteria provided, single submitter. Criteria: ICSL Variant Classification Criteria 13 December 2019. Collection method: clinical testing. Allele origin: germline.
Comment: the same text as in the submission from Illumina Laboratory Services, Illumina above.

Illumina Laboratory Services, Illumina
Classification: Likely benign for Familial amyloid nephropathy with urticaria AND deafness. Last evaluated: 2017-04-27. Review status: criteria provided, single submitter. Criteria: ICSL Variant Classification Criteria 13 December 2019. Collection method: clinical testing. Allele origin: germline.
Comment: the same text as in the submission from Illumina Laboratory Services, Illumina above.

PreventionGenetics, part of Exact Sciences
Classification: Likely benign for NLRP3-related condition. Last evaluated: 2022-03-28. Review status: no assertion criteria provided. Collection method: clinical testing. Allele origin: germline. Not counted in ClinVar's aggregate classification.
Comment: This variant is classified as likely benign based on ACMG/AMP sequence variant interpretation guidelines (Richards et al. 2015 PMID: 25741868, with internal and published modifications).

Literature cited by the submitters: PubMed 25639832 (cited by Laboratory for Molecular Medicine, Mass General Brigham Personalized Medicine); PubMed 32199921 (cited by Laboratory for Molecular Medicine, Mass General Brigham Personalized Medicine); PubMed 27943240 (cited by Laboratory for Molecular Medicine, Mass General Brigham Personalized Medicine); PubMed 29117789 (cited by Laboratory for Molecular Medicine, Mass General Brigham Personalized Medicine); PubMed 32082075 (cited by Laboratory for Molecular Medicine, Mass General Brigham Personalized Medicine); PubMed 28421071 (cited by Laboratory for Molecular Medicine, Mass General Brigham Personalized Medicine).

NM_001243133.2(NLRP3):c.2855C>T (p.Thr952Met)

Gene: NLRP3 (NLR family pyrin domain containing 3; plus strand). Cytogenetic location: 1q44.
Variant type: single nucleotide variant.
Coding change: c.2855C>T on transcript NM_001243133.2 (MANE Select); coding-DNA position 2855, C replaced by T.
Protein change: p.Thr952Met; replaces threonine 952 with methionine.
Molecular consequence: missense variant.
Genome position (GRCh38, 1-based): chr1:247,444,671, C>T. VCF-style: chr1-247444671-C-T. GRCh37 (hg19) VCF-style: chr1-247607973-C-T.
Other names: c.2855C>T, p.Thr952Met (NM_001079821.3); c.2684C>T, p.Thr895Met (NM_001127461.3, NM_001127462.3); c.2861C>T, p.Thr954Met (NM_004895.5); c.2513C>T, p.Thr838Met (NM_183395.3); short protein forms T954M, T952M, T838M, T895M.
Identifiers: ClinVar variation 234293 (VCV000234293.53), dbSNP rs139814109, ClinGen allele CA1495380.